The following is an entry in ClinVar:

ClinVar aggregate classification (germline): Uncertain significance. Review status: criteria provided, multiple submitters, no conflicts (2 of 4 stars). 2 submissions from 2 submitters: Uncertain significance (2). Last evaluated 2024-11-19.

Conditions:
Hereditary cancer-predisposing syndrome. Also called: Tumor predisposition; Hereditary neoplastic syndrome; Hereditary Cancer Syndrome; Neoplastic Syndromes, Hereditary. Identifiers: Orphanet 140162, MedGen C0027672, MeSH D009386, MONDO:0015356.
Hereditary nonpolyposis colorectal neoplasms. Identifiers: MedGen C0009405, MeSH D003123.

Submissions (2):

Labcorp Genetics (formerly Invitae), Labcorp
Classification: Uncertain significance for Hereditary nonpolyposis colorectal neoplasms. Last evaluated: 2024-11-19. Review status: criteria provided, single submitter. Criteria: Invitae Variant Classification Sherloc (09022015). Collection method: clinical testing. Allele origin: germline.
Comment: This sequence change replaces serine, which is neutral and polar, with glycine, which is neutral and non-polar, at codon 112 of the PMS2 protein (p.Ser112Gly). This variant is not present in population databases (gnomAD no frequency). This variant has not been reported in the literature in individuals affected with PMS2-related conditions. ClinVar contains an entry for this variant (Variation ID: 1051263). Invitae Evidence Modeling of protein sequence and biophysical properties (such as structural, functional, and spatial information, amino acid conservation, physicochemical variation, residue mobility, and thermodynamic stability) indicates that this missense variant is expected to disrupt PMS2 protein function with a positive predictive value of 80%. Algorithms developed to predict the effect of sequence changes on RNA splicing suggest that this variant may disrupt the consensus splice site. In summary, the available evidence is currently insufficient to determine the role of this variant in disease. Therefore, it has been classified as a Variant of Uncertain Significance.

Ambry Genetics
Classification: Uncertain significance for Hereditary cancer-predisposing syndrome. Last evaluated: 2024-07-09. Review status: criteria provided, single submitter. Criteria: Ambry Variant Classification Scheme 2023. Collection method: clinical testing. Allele origin: germline.
Comment: The p.S112G variant (also known as c.334A>G), located in coding exon 4 of the PMS2 gene, results from an A to G substitution at nucleotide position 334. The serine at codon 112 is replaced by glycine, an amino acid with similar properties. This amino acid position is conserved. In addition, this alteration is predicted to be deleterious by in silico analysis. Since supporting evidence is limited at this time, the clinical significance of this alteration remains unclear.

NM_000535.7(PMS2):c.334A>G (p.Ser112Gly)

Gene: PMS2 (PMS1 homolog 2, mismatch repair system component; minus strand). Cytogenetic location: 7p22.1.
Variant type: single nucleotide variant.
Coding change: c.334A>G on transcript NM_000535.7 (MANE Select); coding-DNA position 334, A replaced by G.
Protein change: p.Ser112Gly; replaces serine 112 with glycine.
Molecular consequence: missense variant. On other transcripts: 5 prime UTR variant (9), non-coding transcript variant (1), intron variant (2).
Genome position (GRCh38, 1-based): chr7:6,003,709, T>C on the plus strand (A>G on the coding strand, the complement: PMS2 is on the minus strand). VCF-style: chr7-6003709-T-C. GRCh37 (hg19) VCF-style: chr7-6043340-T-C.
Other names: c.-72A>G (NM_001322003.2, NM_001322004.2, NM_001322005.2 and 3 more transcripts); c.334A>G, p.Ser112Gly (NM_001322006.2, NM_001322014.2); c.-551A>G (NM_001322011.2, NM_001322012.2); c.-151A>G (NM_001322015.2); c.35+263A>G (NM_001322008.2, NM_001322007.2); short protein forms S112G.
Identifiers: ClinVar variation 1051263 (VCV001051263.12), dbSNP rs1254565992, ClinGen allele CA366744563.
Genomic context (GRCh38, chr7:6,003,709, plus strand): 5'-TCTCTAAGGGGTCAAGTGAGTGGATAAAAATATTGTATCACCTCAGTGCACAAAGTGAGC[T>C]CAGAGCTTCCCCCCGAAAGCCAAAAGTTTCAACCTGAGTTAGGTCGGCAAACTCTTGAAT-3'
Protein context (NP_000526.2, residues 102-122): ETFGFRGEAL[Ser112Gly]SLCALSDVTI